The following is an entry in ClinVar:

NM_000540.3(RYR1):c.2812G>A (p.Val938Met)

Gene: RYR1 (ryanodine receptor 1; plus strand). Cytogenetic location: 19q13.2.
Variant type: single nucleotide variant.
Coding change: c.2812G>A on transcript NM_000540.3 (MANE Select); coding-DNA position 2812, G replaced by A.
Protein change: p.Val938Met; replaces valine 938 with methionine.
Molecular consequence: missense variant.
Genome position (GRCh38, 1-based): chr19:38,464,664, G>A. VCF-style: chr19-38464664-G-A. GRCh37 (hg19) VCF-style: chr19-38955304-G-A.
Other names: c.2812G>A, p.Val938Met (NM_001042723.2); short protein forms V938M.
Identifiers: ClinVar variation 224376 (VCV000224376.16), dbSNP rs369182023, ClinGen allele CA064071.

ClinVar aggregate classification (germline): Uncertain significance. Review status: criteria provided, multiple submitters, no conflicts (2 of 4 stars). 6 submissions from 6 submitters: Uncertain significance (6). Last evaluated 2025-11-23.

Conditions:
RYR1-related disorder. Also called: RYR1-related disorders; RYR1-related condition. Identifiers: MedGen CN239331.
Malignant hyperthermia, susceptibility to, 1 (MHS1). Also called: Anesthesia related hyperthermia; Malignant hyperpyrexia; Fulminating hyperpyrexia; Pharmacogenic myopathy; RYR1-Related Malignant Hyperthermia Susceptibility; Malignant hyperthermia suceptibility 1. Identifiers: Orphanet 423, MedGen C2930980, MONDO:0007783, OMIM 145600.
Congenital multicore myopathy with external ophthalmoplegia (CMYO1B). Also called: Minicore myopathy with external ophthalmoplegia; MULTICORE MYOPATHY; Congenital myopathy 1B, autosomal recessive; Minicore myopathy; MULTIMINICORE DISEASE WITH EXTERNAL OPHTHALMOPLEGIA. Identifiers: Orphanet 598, Orphanet 98905, MedGen C1850674, MONDO:0009712, OMIM 255320, HP:0003789.
King Denborough syndrome (KDS). Identifiers: MedGen C1840365, MONDO:0020485, OMIM 619542.
Central core myopathy (CMYO1A). Also called: Central core disease; Myopathy, central fibrillar; CONGENITAL MYOPATHY 1A, AUTOSOMAL DOMINANT, WITH SUSCEPTIBILITY TO MALIGNANT HYPERTHERMIA. Identifiers: Orphanet 597, MedGen C5830701, MONDO:0007294, OMIM 117000.
Congenital myopathy with fiber type disproportion. Also called: Congenital fiber-type disproportion myopathy; Congenital fiber-type disproportion. Identifiers: Orphanet 2020, MedGen C0546264, MONDO:0009711. Inheritance: all.

Allele frequency attached by ClinVar (database versions not stated): gnomAD exomes 0.00003 and 0.00007; ESP Exome Variant Server 0.00008; TOPMed 0.00008; ExAC 0.00022.
gnomAD v4.1: 55 of 1,592,672 alleles (0.0035%); highest among the groups gnomAD compares: East Asian, 0.018%; no homozygotes.

Submissions (6):

Labcorp Genetics (formerly Invitae), Labcorp
Classification: Uncertain significance for RYR1-related disorder. Last evaluated: 2025-11-23. Review status: criteria provided, single submitter. Criteria: Invitae Variant Classification Sherloc (09022015). Collection method: clinical testing. Allele origin: germline.
Comment: This sequence change replaces valine, which is neutral and non-polar, with methionine, which is neutral and non-polar, at codon 938 of the RYR1 protein (p.Val938Met). This variant is present in population databases (rs369182023, gnomAD 0.04%). This variant has not been reported in the literature in individuals affected with RYR1-related conditions. ClinVar contains an entry for this variant (Variation ID: 224376). Invitae Evidence Modeling of protein sequence and biophysical properties (such as structural, functional, and spatial information, amino acid conservation, physicochemical variation, residue mobility, and thermodynamic stability) has been performed for this missense variant. However, the output from this modeling did not meet the statistical confidence thresholds required to predict the impact of this variant on RYR1 protein function. In summary, the available evidence is currently insufficient to determine the role of this variant in disease. Therefore, it has been classified as a Variant of Uncertain Significance.

Color Diagnostics, LLC DBA Color Health
Classification: Uncertain significance for Malignant hyperthermia, susceptibility to, 1. Last evaluated: 2024-05-22. Review status: criteria provided, single submitter. Criteria: ACMG Guidelines, 2015. Collection method: clinical testing. Allele origin: germline.
Comment: This missense variant replaces valine with methionine at codon 938 of the RYR1 protein. Computational prediction suggests that this variant may have deleterious impact on protein structure and function. To our knowledge, functional studies have not been reported for this variant. This variant has not been reported in individuals affected with RYR1-related disorders in the literature. This variant has been identified in 16/248184 chromosomes in the general population by the Genome Aggregation Database (gnomAD). The available evidence is insufficient to determine the role of this variant in disease conclusively. Therefore, this variant is classified as a Variant of Uncertain Significance.

Blueprint Genetics
Classification: Uncertain significance. Last evaluated: 2023-08-18. Review status: criteria provided, single submitter. Criteria: ACMG Guidelines, 2015. Collection method: clinical testing. Allele origin: germline.

Fulgent Genetics
Classification: Uncertain significance for Central core myopathy; Malignant hyperthermia, susceptibility to, 1; Congenital myopathy 4A, autosomal dominant; Congenital multicore myopathy with external ophthalmoplegia; King Denborough syndrome. Last evaluated: 2021-07-26. Review status: criteria provided, single submitter. Criteria: ACMG Guidelines, 2015. Collection method: clinical testing. Allele origin: unknown.

Biesecker Lab/Clinical Genomics Section, National Institutes of Health
Classification: Uncertain significance for Malignant hyperthermia, susceptibility to, 1. Last evaluated: 2013-07-01. Review status: criteria provided, single submitter. Criteria: Gonsalves et al. 2013. Collection method: research. Allele origin: unknown. Observed: 2 variant alleles. Study: ClinSeq.
Comment: The study set was not selected for affection status in relation to any myopathy. Pathogenicity categories were based on literature curation. See Pubmed ID: 24195946 for details.

Juno Genomics, Hangzhou Juno Genomics, Inc
Classification: Uncertain significance for Central core myopathy; Congenital multicore myopathy with external ophthalmoplegia; Malignant hyperthermia, susceptibility to, 1; King Denborough syndrome. Review status: criteria provided, single submitter. Criteria: ACMG Guidelines, 2015. Collection method: clinical testing. Allele origin: germline.
Comment: Absent from controls (or at extremely low frequency if recessive) in Genome Aggregation Database.;Missense variant in a gene that has a low rate of benign missense variation.;Multiple lines of computational evidence support a deleterious effect on the gene or gene product.